The following is an entry in ClinVar:

NM_014391.3(ANKRD1):c.346-19_346-18insA

Gene: ANKRD1 (ankyrin repeat domain 1; minus strand). Cytogenetic location: 10q23.31.
Variant type: Insertion.
Coding change: c.346-19_346-18insA on transcript NM_014391.3 (MANE Select); 19 bases into the intron before coding-DNA position 346 through 18 bases into the intron before coding-DNA position 346, A inserted.
Molecular consequence: intron variant.
Genome position: GRCh38 VCF-style: chr10-90918990-A-AT. GRCh37 (hg19) VCF-style: chr10-92678747-A-AT.
Identifiers: ClinVar variation 4980002 (VCV004980002.1).

ClinVar aggregate classification (germline): Likely benign (1 of 4 stars; one submission).

Conditions:
ANKRD1-related disorder. Also called: ANKRD1-related condition.

Submission:

PreventionGenetics, part of Exact Sciences
Classification: Likely benign for ANKRD1-related condition. Last evaluated: 2025-05-25. Review status: criteria provided, single submitter. Criteria: ACMG Guidelines, 2015. Collection method: clinical testing. Allele origin: germline.
Comment: This variant is classified as likely benign based on ACMG/AMP sequence variant interpretation guidelines (Richards et al. 2015 PMID: 25741868, with internal and published modifications).